The following is an entry in ClinVar:

NM_006080.3(SEMA3A):c.1965G>C (p.Gly655=)

Gene: SEMA3A (semaphorin 3A; minus strand). Cytogenetic location: 7q21.11.
Variant type: single nucleotide variant.
Coding change: c.1965G>C on transcript NM_006080.3 (MANE Select); coding-DNA position 1965, G replaced by C.
Protein change: p.Gly655=; no amino-acid change (glycine 655 retained).
Molecular consequence: synonymous variant.
Genome position (GRCh38, 1-based): chr7:83,961,722, C>G on the plus strand (G>C on the coding strand, the complement: SEMA3A is on the minus strand). VCF-style: chr7-83961722-C-G. GRCh37 (hg19) VCF-style: chr7-83591038-C-G.
Identifiers: ClinVar variation 4998887 (VCV004998887.1).

ClinVar aggregate classification (germline): Likely benign (1 of 4 stars; one submission).

Conditions:
SEMA3A-related disorder. Also called: SEMA3A-related condition.

gnomAD v4.1: 2 of 1,613,562 alleles (0.00012%); highest among the groups gnomAD compares: African/African-American, 0.0027%; no homozygotes.

Submission:

PreventionGenetics, part of Exact Sciences
Classification: Likely benign for SEMA3A-related condition. Last evaluated: 2025-07-24. Review status: criteria provided, single submitter. Criteria: ACMG Guidelines, 2015. Collection method: clinical testing. Allele origin: germline.
Comment: This variant is classified as likely benign based on ACMG/AMP sequence variant interpretation guidelines (Richards et al. 2015 PMID: 25741868, with internal and published modifications).